The following is an entry in ClinVar:

NM_181523.3(PIK3R1):c.1456G>A (p.Ala486Thr)

Gene: PIK3R1 (phosphoinositide-3-kinase regulatory subunit 1; plus strand). Cytogenetic location: 5q13.1.
Variant type: single nucleotide variant.
Coding change: c.1456G>A on transcript NM_181523.3 (MANE Select); coding-DNA position 1456, G replaced by A.
Protein change: p.Ala486Thr; replaces alanine 486 with threonine.
Molecular consequence: missense variant.
Genome position (GRCh38, 1-based): chr5:68,294,566, G>A. VCF-style: chr5-68294566-G-A. GRCh37 (hg19) VCF-style: chr5-67590394-G-A.
Other names: c.367G>A, p.Ala123Thr (NM_001242466.2); c.646G>A, p.Ala216Thr (NM_181504.4); c.556G>A, p.Ala186Thr (NM_181524.2); short protein forms A216T, A123T, A186T, A486T.
Identifiers: ClinVar variation 4995874 (VCV004995874.1).

ClinVar aggregate classification (germline): Likely pathogenic (1 of 4 stars; one submission).

Conditions:
PIK3R1-related disorder. Also called: PIK3R1-related condition.

Submission:

PreventionGenetics, part of Exact Sciences
Classification: Likely pathogenic for PIK3R1-related condition. Last evaluated: 2026-01-22. Review status: criteria provided, single submitter. Criteria: ACMG Guidelines, 2015. Collection method: clinical testing. Allele origin: germline.
Comment: The PIK3R1 c.1456G>A variant is predicted to result in the amino acid substitution p.Ala486Thr. This variant was reported as de novo in an individual with short stature, hyperextensibility of joints and/or inguinal hernia, ocular depression, Rieger anomaly, and teething delay (SHORT) syndrome, who also had microcephaly and intellectual disability (Gonçalves et al. 2022. PubMed ID: 35080105). This variant was also reported as de novo in a patient with autism (Patient DDD13k.06535; Table S1, Kaplanis et al. 2020. PubMed ID: 33057194; Table S3, Zhou et al. 2022. PubMed ID: 35982159). This variant has not been reported in a large population database (gnomAD), indicating this variant is rare. An alternative substitution at this amino acid position (p.Ala486Val) has been reported as de novo in an individual with SHORT syndrome (Marzollo et al. 2020. PubMed ID: 32936972). The c.1456G>A (p.Ala486Thr) variant is interpreted as likely pathogenic.